The following is an entry in ClinVar:

NM_000271.5(NPC1):c.1947+11_1947+12insGC

Gene: NPC1 (NPC intracellular cholesterol transporter 1; minus strand). Cytogenetic location: 18q11.2.
Variant type: Insertion.
Coding change: c.1947+11_1947+12insGC on transcript NM_000271.5 (MANE Select); bases 11 to 12 of the intron after coding-DNA position 1947, GC inserted.
Molecular consequence: intron variant.
Genome position: GRCh38 VCF-style: chr18-23544948-C-CCG. GRCh37 (hg19) VCF-style: chr18-21124912-C-CCG.
Identifiers: ClinVar variation 3029116 (VCV003029116.4), dbSNP rs1555634671, ClinGen allele CA777725161.

ClinVar aggregate classification (germline): Likely benign. Review status: criteria provided, single submitter (1 of 4 stars). 2 submissions from 2 submitters: Likely benign (1). 1 of the submissions does not count toward it. Last evaluated 2024-02-19.

Conditions:
NPC1-related disorder. Also called: NPC1-related condition.
Niemann-Pick disease, type C1. Also called: NIEMANN-PICK DISEASE, VARIANT TYPE C1; NEUROVISCERAL STORAGE DISEASE WITH VERTICAL SUPRANUCLEAR OPHTHALMOPLEGIA; NIEMANN-PICK DISEASE WITH CHOLESTEROL ESTERIFICATION BLOCK; NIEMANN-PICK DISEASE WITHOUT SPHINGOMYELINASE DEFICIENCY; NIEMANN-PICK DISEASE, CHRONIC NEURONOPATHIC FORM. Identifiers: Orphanet 646, MedGen C3179455, MONDO:0009757, OMIM 257220.

Submissions (2):

Labcorp Genetics (formerly Invitae), Labcorp
Classification: Likely benign for Niemann-Pick disease, type C1. Last evaluated: 2024-02-19. Review status: criteria provided, single submitter. Criteria: Invitae Variant Classification Sherloc (09022015). Collection method: clinical testing. Allele origin: germline.

PreventionGenetics, part of Exact Sciences
Classification: Likely benign for NPC1-related condition. Last evaluated: 2023-03-14. Review status: no assertion criteria provided. Collection method: clinical testing. Allele origin: germline. Not counted in ClinVar's aggregate classification.
Comment: This variant is classified as likely benign based on ACMG/AMP sequence variant interpretation guidelines (Richards et al. 2015 PMID: 25741868, with internal and published modifications).